The following is an entry in ClinVar:

ClinVar aggregate classification (germline): Uncertain significance. Review status: criteria provided, multiple submitters, no conflicts (2 of 4 stars). 2 submissions from 2 submitters: Uncertain significance (2). Last evaluated 2026-02-01.

Allele frequency attached by ClinVar (database versions not stated): ESP Exome Variant Server 0.00008; TOPMed 0.00009; gnomAD exomes 0.00011 and 0.00021; 1000 Genomes Project 30x 0.00016; ExAC 0.00018; 1000 Genomes Project 0.00020; gnomAD 0.00021 and 0.00022.
gnomAD v4.1: 199 of 1,614,162 alleles (0.012%); highest among the groups gnomAD compares: Non-Finnish European, 0.0084%; no homozygotes.

Submissions (2):

Labcorp Genetics (formerly Invitae), Labcorp
Classification: Uncertain significance. Last evaluated: 2026-02-01. Review status: criteria provided, single submitter. Criteria: Invitae Variant Classification Sherloc (09022015). Collection method: clinical testing. Allele origin: germline.
Comment: This sequence change replaces valine, which is neutral and non-polar, with isoleucine, which is neutral and non-polar, at codon 753 of the TFRC protein (p.Val753Ile). This variant is present in population databases (rs141165322, gnomAD 0.2%), and has an allele count higher than expected for a pathogenic variant. This variant has not been reported in the literature in individuals affected with TFRC-related conditions. ClinVar contains an entry for this variant (Variation ID: 1521743). An algorithm developed to predict the effect of missense changes on protein structure and function outputs the following: PolyPhen-2: "Benign". The isoleucine amino acid residue is found in multiple mammalian species, which suggests that this missense change does not adversely affect protein function. In summary, the available evidence is currently insufficient to determine the role of this variant in disease. Therefore, it has been classified as a Variant of Uncertain Significance.

Blueprint Genetics
Classification: Uncertain significance. Last evaluated: 2024-03-02. Review status: criteria provided, single submitter. Criteria: ACMG Guidelines, 2015. Collection method: clinical testing. Allele origin: germline.

NM_001128148.3(TFRC):c.2257G>A (p.Val753Ile)

Gene: TFRC (transferrin receptor; minus strand). Cytogenetic location: 3q29.
Variant type: single nucleotide variant.
Coding change: c.2257G>A on transcript NM_001128148.3 (MANE Select); coding-DNA position 2257, G replaced by A.
Protein change: p.Val753Ile; replaces valine 753 with isoleucine.
Molecular consequence: missense variant.
Genome position (GRCh38, 1-based): chr3:196,051,968, C>T on the plus strand (G>A on the coding strand, the complement: TFRC is on the minus strand). VCF-style: chr3-196051968-C-T. GRCh37 (hg19) VCF-style: chr3-195778839-C-T.
Other names: c.2014G>A, p.Val672Ile (NM_001313965.2); c.1411G>A, p.Val471Ile (NM_001313966.2); c.2257G>A, p.Val753Ile (NM_003234.4); short protein forms V672I, V471I, V753I.
Identifiers: ClinVar variation 1521743 (VCV001521743.7), dbSNP rs141165322, ClinGen allele CA2777680.